The following is an entry in ClinVar:

ClinVar aggregate classification (germline): Pathogenic (1 of 4 stars; one submission).

Submission:

Labcorp Genetics (formerly Invitae), Labcorp
Classification: Pathogenic. Last evaluated: 2025-12-06. Review status: criteria provided, single submitter. Criteria: Invitae Variant Classification Sherloc (09022015). Collection method: clinical testing. Allele origin: germline.
Comment: This sequence change creates a premature translational stop signal (p.Glu1195*) in the SPTB gene. It is expected to result in an absent or disrupted protein product. Loss-of-function variants in SPTB are known to be pathogenic (PMID: 1391962, 1498324, 8844207, 26830532, 27292444). This variant is not present in population databases (gnomAD no frequency). This variant has not been reported in the literature in individuals affected with SPTB-related conditions. Algorithms developed to predict the effect of sequence changes on RNA splicing suggest that this variant may create or strengthen a splice site. For these reasons, this variant has been classified as Pathogenic.

Literature cited by the submitters: PubMed 1391962; PubMed 1498324; PubMed 8844207; PubMed 26830532; PubMed 27292444.

NM_001355436.2(SPTB):c.3583G>T (p.Glu1195Ter)

Gene: SPTB (spectrin beta, erythrocytic; minus strand). Cytogenetic location: 14q23.3.
Variant type: single nucleotide variant.
Coding change: c.3583G>T on transcript NM_001355436.2 (MANE Select); coding-DNA position 3583, G replaced by T.
Protein change: p.Glu1195Ter; replaces glutamic acid 1195 with a stop codon.
Molecular consequence: nonsense.
Genome position (GRCh38, 1-based): chr14:64,785,930, C>A on the plus strand (G>T on the coding strand, the complement: SPTB is on the minus strand). VCF-style: chr14-64785930-C-A. GRCh37 (hg19) VCF-style: chr14-65252648-C-A.
Other names: c.3583G>T, p.Glu1195Ter (NM_001024858.4, NM_001355437.2); short protein forms E1195*.
Identifiers: ClinVar variation 4732632 (VCV004732632.1).